The following is an entry in ClinVar:

ClinVar aggregate classification (germline): Uncertain significance (1 of 4 stars; one submission).

Conditions:
Familial cold autoinflammatory syndrome 4 (FCAS4). Identifiers: Orphanet 47045, Orphanet 576349, MedGen C4015276, MONDO:0014498, OMIM 616115.
Periodic fever-infantile enterocolitis-autoinflammatory syndrome. Also called: Autoinflammation with infantile enterocolitis. Identifiers: Orphanet 436166, MedGen C4015067, MONDO:0014472, OMIM 616050.

Submission:

Labcorp Genetics (formerly Invitae), Labcorp
Classification: Uncertain significance for Periodic fever-infantile enterocolitis-autoinflammatory syndrome; Familial cold autoinflammatory syndrome 4. Last evaluated: 2022-12-02. Review status: criteria provided, single submitter. Criteria: Invitae Variant Classification Sherloc (09022015). Collection method: clinical testing. Allele origin: germline.
Comment: In summary, the available evidence is currently insufficient to determine the role of this variant in disease. Therefore, it has been classified as a Variant of Uncertain Significance. Advanced modeling of protein sequence and biophysical properties (such as structural, functional, and spatial information, amino acid conservation, physicochemical variation, residue mobility, and thermodynamic stability) performed at Invitae indicates that this missense variant is not expected to disrupt NLRC4 protein function. ClinVar contains an entry for this variant (Variation ID: 1722008). This variant has not been reported in the literature in individuals affected with NLRC4-related conditions. This variant is not present in population databases (gnomAD no frequency). This sequence change replaces phenylalanine, which is neutral and non-polar, with tyrosine, which is neutral and polar, at codon 930 of the NLRC4 protein (p.Phe930Tyr).

NM_001199138.2(NLRC4):c.2789T>A (p.Phe930Tyr)

Gene: NLRC4 (NLR family CARD domain containing 4; minus strand). Cytogenetic location: 2p22.3.
Variant type: single nucleotide variant.
Coding change: c.2789T>A on transcript NM_001199138.2 (MANE Select); coding-DNA position 2789, T replaced by A.
Protein change: p.Phe930Tyr; replaces phenylalanine 930 with tyrosine.
Molecular consequence: missense variant.
Genome position (GRCh38, 1-based): chr2:32,224,759, A>T on the plus strand (T>A on the coding strand, the complement: NLRC4 is on the minus strand). VCF-style: chr2-32224759-A-T. GRCh37 (hg19) VCF-style: chr2-32449828-A-T.
Other names: c.794T>A, p.Phe265Tyr (NM_001302504.2); c.2789T>A, p.Phe930Tyr (NM_021209.5, NM_001199139.2); short protein forms F265Y, F930Y.
Identifiers: ClinVar variation 1722008 (VCV001722008.5), dbSNP rs2466689209, ClinGen allele CA346519619.